The following is an entry in ClinVar:

ClinVar aggregate classification (germline): Uncertain significance (1 of 4 stars; one submission).

Conditions:
Retinitis pigmentosa 59 (RP59). Identifiers: Orphanet 791, MedGen C3151227, MONDO:0013468, OMIM 613861.

Allele frequency attached by ClinVar (database versions not stated): TOPMed below 0.00001; ESP Exome Variant Server 0.00008.

Submission:

Labcorp Genetics (formerly Invitae), Labcorp
Classification: Uncertain significance for Retinitis pigmentosa 59. Last evaluated: 2021-06-06. Review status: criteria provided, single submitter. Criteria: Invitae Variant Classification Sherloc (09022015). Collection method: clinical testing. Allele origin: germline.
Comment: This sequence change replaces tryptophan with leucine at codon 171 of the DHDDS protein (p.Trp171Leu). The tryptophan residue is moderately conserved and there is a small physicochemical difference between tryptophan and leucine. In summary, the available evidence is currently insufficient to determine the role of this variant in disease. Therefore, it has been classified as a Variant of Uncertain Significance. Algorithms developed to predict the effect of missense changes on protein structure and function (SIFT, PolyPhen-2, Align-GVGD) all suggest that this variant is likely to be tolerated, but these predictions have not been confirmed by published functional studies and their clinical significance is uncertain. This variant has not been reported in the literature in individuals with DHDDS-related conditions. This variant is not present in population databases (ExAC no frequency).

NM_205861.3(DHDDS):c.512G>T (p.Trp171Leu)

Gene: DHDDS (dehydrodolichyl diphosphate synthase subunit; plus strand). Cytogenetic location: 1p36.11.
Variant type: single nucleotide variant.
Coding change: c.512G>T on transcript NM_205861.3 (MANE Select); coding-DNA position 512, G replaced by T.
Protein change: p.Trp171Leu; replaces tryptophan 171 with leucine.
Molecular consequence: missense variant. On other transcripts: intron variant (1).
Genome position (GRCh38, 1-based): chr1:26,447,630, G>T. VCF-style: chr1-26447630-G-T. GRCh37 (hg19) VCF-style: chr1-26774121-G-T.
Other names: c.395G>T, p.Trp132Leu (NM_001243565.2); c.233G>T, p.Trp78Leu (NM_001319959.2); c.512G>T, p.Trp171Leu (NM_024887.4); c.440+1198G>T (NM_001243564.2); short protein forms W171L, W78L, W132L.
Identifiers: ClinVar variation 1471782 (VCV001471782.8), dbSNP rs367557625, ClinGen allele CA19772564.